The following is an entry in ClinVar:

NM_002471.4(MYH6):c.1482G>A (p.Met494Ile)

Gene: MYH6 (myosin heavy chain 6; minus strand). Cytogenetic location: 14q11.2.
Variant type: single nucleotide variant.
Coding change: c.1482G>A on transcript NM_002471.4 (MANE Select); coding-DNA position 1482, G replaced by A.
Protein change: p.Met494Ile; replaces methionine 494 with isoleucine.
Molecular consequence: missense variant.
Genome position (GRCh38, 1-based): chr14:23,400,355, C>T on the plus strand (G>A on the coding strand, the complement: MYH6 is on the minus strand). VCF-style: chr14-23400355-C-T. GRCh37 (hg19) VCF-style: chr14-23869564-C-T.
Other names: short protein forms M494I.
Identifiers: ClinVar variation 1032060 (VCV001032060.1), dbSNP rs1891561643, ClinGen allele CA389022787.

ClinVar aggregate classification (germline): Uncertain significance (1 of 4 stars; one submission).

Conditions:
Hypertrophic cardiomyopathy 14. Identifiers: MedGen C2750467, MONDO:0013197, OMIM 613251.

Submission:

Baylor Genetics
Classification: Uncertain significance for Hypertrophic cardiomyopathy 14. Last evaluated: 2018-10-28. Review status: criteria provided, single submitter. Criteria: ACMG Guidelines, 2015. Collection method: clinical testing. Allele origin: paternal. Affected: yes.
Comment: This variant was determined to be of uncertain significance according to ACMG Guidelines, 2015 [PMID:25741868]. This variant has been previously reported as co-segregated with incomplete penetrance in multiple individuals from one family with aortopathy, septal defects and bicuspid aortic valve [PMID 27760138]

Literature cited by the submitters: PubMed 27760138.